The following is an entry in ClinVar:

ClinVar aggregate classification (germline): Uncertain significance. Review status: criteria provided, multiple submitters, no conflicts (2 of 4 stars). 3 submissions from 3 submitters: Uncertain significance (3). Last evaluated 2024-06-09.

Conditions:
Long QT syndrome (LQTS). Identifiers: MedGen C0023976, MeSH D008133, MONDO:0002442. Disease mechanism: loss of function. Inheritance: Various modes of inheritance.
Cardiac arrhythmia, ankyrin-B-related. Also called: ANKYRIN-B SYNDROME. Identifiers: Orphanet 101016, Orphanet 768, MedGen C1970119, MONDO:0010958, OMIM 600919.

Submissions (3):

Labcorp Genetics (formerly Invitae), Labcorp
Classification: Uncertain significance for Long QT syndrome. Last evaluated: 2024-06-09. Review status: criteria provided, single submitter. Criteria: Invitae Variant Classification Sherloc (09022015). Collection method: clinical testing. Allele origin: germline.
Comment: This sequence change replaces valine, which is neutral and non-polar, with glutamic acid, which is acidic and polar, at codon 2686 of the ANK2 protein (p.Val2686Glu). This variant is not present in population databases (gnomAD no frequency). This variant has not been reported in the literature in individuals affected with ANK2-related conditions. ClinVar contains an entry for this variant (Variation ID: 1320761). An algorithm developed to predict the effect of missense changes on protein structure and function (PolyPhen-2) suggests that this variant is likely to be disruptive. In summary, the available evidence is currently insufficient to determine the role of this variant in disease. Therefore, it has been classified as a Variant of Uncertain Significance.

Fulgent Genetics
Classification: Uncertain significance for Cardiac arrhythmia, ankyrin-B-related. Last evaluated: 2021-10-28. Review status: criteria provided, single submitter. Criteria: ACMG Guidelines, 2015. Collection method: clinical testing. Allele origin: unknown.

GeneDx
Classification: Uncertain significance. Last evaluated: 2019-05-16. Review status: criteria provided, single submitter. Criteria: GeneDx Variant Classification Process June 2021. Collection method: clinical testing. Allele origin: germline. Affected: yes.
Comment: Not observed in large population cohorts (Lek et al., 2016); In silico analysis, which includes protein predictors and evolutionary conservation, supports a deleterious effect; Has not been previously published as pathogenic or benign to our knowledge

NM_001148.6(ANK2):c.8057T>A (p.Val2686Glu)

Gene: ANK2 (ankyrin 2; plus strand). Cytogenetic location: 4q26.
Variant type: single nucleotide variant.
Coding change: c.8057T>A on transcript NM_001148.6 (MANE Select); coding-DNA position 8057, T replaced by A.
Protein change: p.Val2686Glu; replaces valine 2686 with glutamic acid.
Molecular consequence: missense variant. On other transcripts: intron variant (68).
Genome position (GRCh38, 1-based): chr4:113,356,675, T>A. VCF-style: chr4-113356675-T-A. GRCh37 (hg19) VCF-style: chr4-114277831-T-A.
Other names: c.7823T>A, p.Val2608Glu (NM_001386142.1); c.4457T>A, p.Val1486Glu (NM_001386166.1); c.8198T>A, p.Val2733Glu (NM_001386174.1); c.8174T>A, p.Val2725Glu (NM_001386175.1); c.4412-4148T>A (NM_001386186.2, NM_001386148.2); c.4214-4148T>A (NM_001354269.3); c.4292-4148T>A (NM_001386187.2); c.4253-4148T>A (NM_001386147.1); and 35 more; short protein forms V1486E, V2608E, V2686E, V2725E, V2733E.
Identifiers: ClinVar variation 1320761 (VCV001320761.7), dbSNP rs56095304, ClinGen allele CA357932948.